The following is an entry in ClinVar:

ClinVar aggregate classification (germline): Uncertain significance (1 of 4 stars; one submission).

gnomAD v4.1: 1 of 1,614,062 alleles (0.000062%); highest among the groups gnomAD compares: Non-Finnish European, 0.000085%; no homozygotes.

Submission:

CeGaT Center for Human Genetics Tuebingen
Classification: Uncertain significance. Last evaluated: 2026-07-01. Review status: criteria provided, single submitter. Criteria: CeGaT Center For Human Genetics Tuebingen Variant Classification Criteria Version 2. Collection method: clinical testing. Allele origin: germline. Affected: yes. Observed: 1 variant allele.
Comment: DNM2: PM2

NM_001005361.3(DNM2):c.1909G>A (p.Gly637Arg)

Gene: DNM2 (dynamin 2; plus strand). Cytogenetic location: 19p13.2.
Variant type: single nucleotide variant.
Coding change: c.1909G>A on transcript NM_001005361.3 (MANE Select); coding-DNA position 1909, G replaced by A.
Protein change: p.Gly637Arg; replaces glycine 637 with arginine.
Molecular consequence: missense variant.
Genome position (GRCh38, 1-based): chr19:10,825,072, G>A. VCF-style: chr19-10825072-G-A. GRCh37 (hg19) VCF-style: chr19-10935748-G-A.
Other names: c.1909G>A, p.Gly637Arg (NM_001005360.3, NM_001190716.2); c.1897G>A, p.Gly633Arg (NM_001005362.3, NM_004945.4); short protein forms G633R, G637R.
Identifiers: ClinVar variation 5040184 (VCV005040184.1).
Genomic context (GRCh38, chr19:10,825,072, plus strand): 5'-GCCCAGGCCACAGTCACCCCTCAGCACCTCCCCTCCCGCTTGCAGGCAGAAAACGAGGAT[G>A]GGGCCCAGGAGAACACCTTCTCCATGGACCCCCAACTGGAGCGGCAGGTGGAGACCATTC-3'
Protein context (NP_001005361.1, residues 627-647): PEKDQAENED[Gly637Arg]AQENTFSMDP